The following is an entry in ClinVar:

NM_004519.4(KCNQ3):c.1567A>G (p.Arg523Gly)

Gene: KCNQ3 (potassium voltage-gated channel subfamily Q member 3; minus strand). Cytogenetic location: 8q24.22.
Variant type: single nucleotide variant.
Coding change: c.1567A>G on transcript NM_004519.4 (MANE Select); coding-DNA position 1567, A replaced by G.
Protein change: p.Arg523Gly; replaces arginine 523 with glycine.
Molecular consequence: missense variant.
Genome position (GRCh38, 1-based): chr8:132,140,077, T>C on the plus strand (A>G on the coding strand, the complement: KCNQ3 is on the minus strand). VCF-style: chr8-132140077-T-C. GRCh37 (hg19) VCF-style: chr8-133152324-T-C.
Other names: c.1207A>G, p.Arg403Gly (NM_001204824.2); short protein forms R403G, R523G.
Identifiers: ClinVar variation 1309235 (VCV001309235.2), dbSNP rs2130942238, ClinGen allele CA372219560.

ClinVar aggregate classification (germline): Uncertain significance (1 of 4 stars; one submission).

Allele frequency attached by ClinVar (database versions not stated): gnomAD exomes below 0.00001.
gnomAD v4.1: 2 of 1,591,258 alleles (0.00013%); highest among the groups gnomAD compares: Non-Finnish European, 0.00017%; no homozygotes.

Submission:

GeneDx
Classification: Uncertain significance. Last evaluated: 2019-10-15. Review status: criteria provided, single submitter. Criteria: GeneDx Variant Classification Process June 2021. Collection method: clinical testing. Allele origin: germline. Affected: yes.
Comment: Not observed in large population cohorts (Lek et al., 2016); In silico analysis, which includes protein predictors and evolutionary conservation, supports a deleterious effect; In addition, in silico splice predictors suggest this variant may lead to abnormal gene splicing; Has not been previously published as pathogenic or benign to our knowledge